The following is an entry in ClinVar:

ClinVar aggregate classification (germline): Pathogenic (0 of 4 stars; one submission).

Conditions:
Joubert syndrome 6 (JBTS6). Identifiers: Orphanet 475, MedGen C1853153, MONDO:0012539, OMIM 610688.

Submission:

OMIM
Classification: Pathogenic for JOUBERT SYNDROME 6. Last evaluated: 2007-01-01. Review status: no assertion criteria provided. Collection method: literature only. Allele origin: germline.

Literature cited by the submitters: PubMed 17160906.

NM_153704.6(TMEM67):c.[1634G>A;2241G>A]

Variant type: Haplotype.
Identifiers: ClinVar variation 2627377 (VCV002627377.1).